The following is an entry in ClinVar:

ClinVar aggregate classification (germline): Uncertain significance (1 of 4 stars; one submission).

Submission:

Labcorp Genetics (formerly Invitae), Labcorp
Classification: Uncertain significance. Last evaluated: 2025-04-11. Review status: criteria provided, single submitter. Criteria: Invitae Variant Classification Sherloc (09022015). Collection method: clinical testing. Allele origin: germline.
Comment: This sequence change replaces leucine, which is neutral and non-polar, with phenylalanine, which is neutral and non-polar, at codon 857 of the POLA1 protein (p.Leu857Phe). This variant is not present in population databases (gnomAD no frequency). This variant has not been reported in the literature in individuals affected with POLA1-related conditions. Invitae Evidence Modeling of protein sequence and biophysical properties (such as structural, functional, and spatial information, amino acid conservation, physicochemical variation, residue mobility, and thermodynamic stability) indicates that this missense variant is expected to disrupt POLA1 protein function with a positive predictive value of 80%. In summary, the available evidence is currently insufficient to determine the role of this variant in disease. Therefore, it has been classified as a Variant of Uncertain Significance.

NM_001330360.2(POLA1):c.2589G>C (p.Leu863Phe)

Gene: POLA1 (DNA polymerase alpha 1, catalytic subunit; plus strand). Cytogenetic location: Xp22.11.
Variant type: single nucleotide variant.
Coding change: c.2589G>C on transcript NM_001330360.2 (MANE Select); coding-DNA position 2589, G replaced by C.
Protein change: p.Leu863Phe; replaces leucine 863 with phenylalanine.
Molecular consequence: missense variant. On other transcripts: non-coding transcript variant (2).
Genome position (GRCh38, 1-based): chrX:24,745,440, G>C. VCF-style: chrX-24745440-G-C. GRCh37 (hg19) VCF-style: chrX-24763557-G-C.
Other names: c.2514G>C, p.Leu838Phe (NM_001378303.1); c.2589G>C, p.Leu863Phe (NM_001440806.1); c.2571G>C, p.Leu857Phe (NM_016937.4); short protein forms L857F, L838F, L863F.
Identifiers: ClinVar variation 4744219 (VCV004744219.1).